The following is an entry in ClinVar:

NM_005850.5(SF3B4):c.495G>A (p.Gln165=)

Gene: SF3B4 (splicing factor 3b subunit 4; minus strand). Cytogenetic location: 1q21.2.
Variant type: single nucleotide variant.
Coding change: c.495G>A on transcript NM_005850.5 (MANE Select); coding-DNA position 495, G replaced by A.
Protein change: p.Gln165=; no amino-acid change (glutamine 165 retained).
Molecular consequence: synonymous variant.
Genome position (GRCh38, 1-based): chr1:149,926,587, C>T on the plus strand (G>A on the coding strand, the complement: SF3B4 is on the minus strand). VCF-style: chr1-149926587-C-T. GRCh37 (hg19) VCF-style: chr1-149898479-C-T.
Identifiers: ClinVar variation 3053253 (VCV003053253.2), dbSNP rs1435284559, ClinGen allele CA420892973.

ClinVar aggregate classification (germline): Likely benign (0 of 4 stars; one submission).

Conditions:
SF3B4-related disorder. Also called: SF3B4-related condition.

Allele frequency attached by ClinVar (database versions not stated): gnomAD exomes below 0.00001; TOPMed 0.00001.
gnomAD v4.1: 10 of 1,614,226 alleles (0.00062%); highest among the groups gnomAD compares: African/African-American, 0.0027%; no homozygotes.

Submission:

PreventionGenetics, part of Exact Sciences
Classification: Likely benign for SF3B4-related condition. Last evaluated: 2019-08-27. Review status: no assertion criteria provided. Collection method: clinical testing. Allele origin: germline.
Comment: This variant is classified as likely benign based on ACMG/AMP sequence variant interpretation guidelines (Richards et al. 2015 PMID: 25741868, with internal and published modifications).